The following is an entry in ClinVar:

NM_001330078.2(NRXN1):c.820+58T>C

Gene: NRXN1 (neurexin 1; minus strand). Cytogenetic location: 2p16.3.
Variant type: single nucleotide variant.
Coding change: c.820+58T>C on transcript NM_001330078.2 (MANE Select); 58 bases into the intron after coding-DNA position 820, T replaced by C.
Molecular consequence: intron variant. On other transcripts: 3 prime UTR variant (1).
Genome position (GRCh38, 1-based): chr2:50,922,600, A>G on the plus strand (T>C on the coding strand, the complement: NRXN1 is on the minus strand). VCF-style: chr2-50922600-A-G. GRCh37 (hg19) VCF-style: chr2-51149738-A-G.
Other names: c.*5T>C (NM_001330089.2); c.772+104902T>C (NM_001330096.2, NM_001330087.2, NM_001330083.2 and 1 more transcripts); c.802+58T>C (NM_001330088.2); c.817+58T>C (NM_001330093.2, NM_001330079.2); c.820+58T>C (NM_001330094.2, NM_001330095.2, NM_001330082.2 and 6 more transcripts); c.919+58T>C (NM_001135659.3).
Identifiers: ClinVar variation 4985532 (VCV004985532.1).

ClinVar aggregate classification (germline): Likely benign (1 of 4 stars; one submission).

Conditions:
NRXN1-related disorder.

gnomAD v4.1: 3 of 1,565,080 alleles (0.00019%); highest among the groups gnomAD compares: African/African-American, 0.0041%; no homozygotes.

Submission:

PreventionGenetics, part of Exact Sciences
Classification: Likely benign for NRXN1-related condition. Last evaluated: 2025-10-30. Review status: criteria provided, single submitter. Criteria: ACMG Guidelines, 2015. Collection method: clinical testing. Allele origin: germline.
Comment: This variant is classified as likely benign based on ACMG/AMP sequence variant interpretation guidelines (Richards et al. 2015 PMID: 25741868, with internal and published modifications).